The following is an entry in ClinVar:

NM_000465.4(BARD1):c.566C>T (p.Ala189Val)

Gene: BARD1 (BRCA1 associated RING domain 1; minus strand). Cytogenetic location: 2q35.
Variant type: single nucleotide variant.
Coding change: c.566C>T on transcript NM_000465.4 (MANE Select); coding-DNA position 566, C replaced by T.
Protein change: p.Ala189Val; replaces alanine 189 with valine.
Molecular consequence: missense variant. On other transcripts: non-coding transcript variant (2), intron variant (3).
Genome position (GRCh38, 1-based): chr2:214,781,308, G>A on the plus strand (C>T on the coding strand, the complement: BARD1 is on the minus strand). VCF-style: chr2-214781308-G-A. GRCh37 (hg19) VCF-style: chr2-215646032-G-A.
Other names: c.509C>T, p.Ala170Val (NM_001282543.2); c.158+28104C>T (NM_001282548.2); c.215+15753C>T (NM_001282545.2); c.364+10989C>T (NM_001282549.2); short protein forms A189V, A170V.
Identifiers: ClinVar variation 220889 (VCV000220889.20), dbSNP rs864622686, ClinGen allele CA348210.

ClinVar aggregate classification (germline): Conflicting classifications of pathogenicity. Review status: criteria provided, conflicting classifications (1 of 4 stars). 6 submissions from 6 submitters: Uncertain significance (3); Likely benign (2). 1 of the submissions does not count toward it. Last evaluated 2025-05-14.

Conditions:
BARD1-related disorder. Also called: BARD1-related condition.
Hereditary cancer-predisposing syndrome. Also called: Hereditary neoplastic syndrome; Tumor predisposition; Hereditary Cancer Syndrome; Neoplastic Syndromes, Hereditary. Identifiers: Orphanet 140162, MedGen C0027672, MeSH D009386, MONDO:0015356.
Familial cancer of breast. Also called: hereditary breast carcinoma; Hereditary breast cancer; BREAST CANCER, FAMILIAL. Identifiers: Orphanet 227535, MedGen C0346153, MONDO:0016419, OMIM 114480. Disease mechanism: loss of function.

Allele frequency attached by ClinVar (database versions not stated): gnomAD exomes below 0.00001; TOPMed below 0.00001.
gnomAD v4.1: 6 of 1,611,748 alleles (0.00037%); highest among the groups gnomAD compares: Non-Finnish European, 0.00051%; no homozygotes.

Submissions (6):

Labcorp Genetics (formerly Invitae), Labcorp
Classification: Uncertain significance for Familial cancer of breast. Last evaluated: 2025-05-14. Review status: criteria provided, single submitter. Criteria: Invitae Variant Classification Sherloc (09022015). Collection method: clinical testing. Allele origin: germline.
Comment: This sequence change replaces alanine, which is neutral and non-polar, with valine, which is neutral and non-polar, at codon 189 of the BARD1 protein (p.Ala189Val). This variant is not present in population databases (gnomAD no frequency). This missense change has been observed in individual(s) with ovarian cancer (PMID: 26315354). ClinVar contains an entry for this variant (Variation ID: 220889). An algorithm developed to predict the effect of missense changes on protein structure and function outputs the following: PolyPhen-2: "Benign". The valine amino acid residue is found in multiple mammalian species, which suggests that this missense change does not adversely affect protein function. In summary, the available evidence is currently insufficient to determine the role of this variant in disease. Therefore, it has been classified as a Variant of Uncertain Significance.

GeneDx
Classification: Uncertain significance. Last evaluated: 2023-09-29. Review status: criteria provided, single submitter. Criteria: GeneDx Variant Classification Process June 2021. Collection method: clinical testing. Allele origin: germline. Affected: yes.
Comment: Not observed at significant frequency in large population cohorts (gnomAD); In silico analysis supports that this missense variant does not alter protein structure/function; Observed in both affected individuals and healthy controls in an ovarian cancer case-control study (PMID: 26315354); This variant is associated with the following publications: (PMID: 26315354)

Women's Health and Genetics/Laboratory Corporation of America, LabCorp
Classification: Uncertain significance. Last evaluated: 2022-06-17. Review status: criteria provided, single submitter. Criteria: LabCorp Variant Classification Summary - May 2015. Collection method: clinical testing. Allele origin: germline.
Comment: Variant summary: BARD1 c.566C>T (p.Ala189Val) results in a non-conservative amino acid change in the encoded protein sequence. Four of five in-silico tools predict a benign effect of the variant on protein function. The variant was absent in 249004 control chromosomes. The available data on variant occurrences in the general population are insufficient to allow any conclusion about variant significance. c.566C>T has been reported in the literature in an individual affected with ovarian cancer in a case-control study, however the variant was also found at a similar frequency in the control cohort (Ramus_2015). Therefore, this report does not provide unequivocal conclusions about association of the variant with Hereditary Breast And Ovarian Cancer Syndrome. To our knowledge, no experimental evidence demonstrating an impact on protein function has been reported. Two clinical diagnostic laboratories have submitted clinical-significance assessments for this variant to ClinVar after 2014 and both classified the variant as uncertain significance. Based on the evidence outlined above, the variant was classified as uncertain significance.

Ambry Genetics
Classification: Likely benign for Hereditary cancer-predisposing syndrome. Last evaluated: 2021-12-03. Review status: criteria provided, single submitter. Criteria: Ambry Variant Classification Scheme 2023. Collection method: clinical testing. Allele origin: germline.

Color Diagnostics, LLC DBA Color Health
Classification: Likely benign for Hereditary cancer-predisposing syndrome. Last evaluated: 2021-10-06. Review status: criteria provided, single submitter. Criteria: ACMG Guidelines, 2015. Collection method: clinical testing. Allele origin: germline.

PreventionGenetics, part of Exact Sciences
Classification: Uncertain significance for BARD1-related condition. Last evaluated: 2024-06-12. Review status: no assertion criteria provided. Collection method: clinical testing. Allele origin: germline. Not counted in ClinVar's aggregate classification.
Comment: The BARD1 c.566C>T variant is predicted to result in the amino acid substitution p.Ala189Val. This variant has been reported in an individual with a history of ovarian cancer, but has also been reported in a control individual (Supplementary Table 4, Ramus et al. 2015. PubMed ID: 26315354). It has not been reported in a large population database, indicating this variant is rare. In ClinVar, this variant is interpreted as likely benign and uncertain by multiple laboratories. At this time, the clinical significance of this variant is uncertain due to the absence of conclusive functional and genetic evidence.

Literature cited by the submitters: PubMed 26315354 (cited by Labcorp Genetics (formerly Invitae), Labcorp and Women's Health and Genetics/Laboratory Corporation of America, LabCorp).